The following is an entry in ClinVar:

NM_001369268.1(ACAN):c.3465C>T (p.Thr1155=)

Gene: ACAN (aggrecan; plus strand). Cytogenetic location: 15q26.1.
Variant type: single nucleotide variant.
Coding change: c.3465C>T on transcript NM_001369268.1 (MANE Select); coding-DNA position 3465, C replaced by T.
Protein change: p.Thr1155=; no amino-acid change (threonine 1155 retained).
Molecular consequence: synonymous variant.
Genome position (GRCh38, 1-based): chr15:88,856,050, C>T. VCF-style: chr15-88856050-C-T. GRCh37 (hg19) VCF-style: chr15-89399281-C-T.
Other names: c.3465C>T, p.Thr1155= (NM_001135.4, NM_001411096.1, NM_001411097.1 and 1 more transcripts).
Identifiers: ClinVar variation 4874440 (VCV004874440.2).

ClinVar aggregate classification (germline): Likely benign (1 of 4 stars; one submission).

Submission:

CeGaT Center for Human Genetics Tuebingen
Classification: Likely benign. Last evaluated: 2026-05-01. Review status: criteria provided, single submitter. Criteria: CeGaT Center For Human Genetics Tuebingen Variant Classification Criteria Version 2. Collection method: clinical testing. Allele origin: germline. Affected: yes. Observed: 1 variant allele.
Comment: ACAN: BP4, BP7